The following is an entry in ClinVar:

ClinVar aggregate classification (germline): Likely benign. Review status: criteria provided, multiple submitters, no conflicts (2 of 4 stars). 3 submissions from 3 submitters: Likely benign (2). 1 of the submissions does not count toward it. Last evaluated 2025-11-28.

Conditions:
Autosomal recessive nonsyndromic hearing loss 4 (DFNB4). Also called: Deafness, autosomal recessive 4; Enlarged vestibular aqueduct, digenic; Nonsyndromic enlarged vestibular aqueduct (NSEVA); FOXI1-Related Pendred Syndrome; KCNJ10-Related Pendred Syndrome; DEAFNESS, AUTOSOMAL RECESSIVE 4, WITH ENLARGED VESTIBULAR AQUEDUCT, DIGENIC. Identifiers: Orphanet 90636, MedGen C3538946, MONDO:0010933, OMIM 600791.
Pendred syndrome (PDS). Also called: Pendred's syndrome; Pendred Syndrome (PDS); DEAFNESS WITH GOITER; GOITER-DEAFNESS SYNDROME; THYROID DYSHORMONOGENESIS 2B; THYROID HORMONOGENESIS, GENETIC DEFECT IN, 2B. Identifiers: Orphanet 705, MedGen C0271829, MONDO:0010134, OMIM 274600.
FOXI1-related disorder. Also called: FOXI1-related condition.

Allele frequency attached by ClinVar (database versions not stated): gnomAD 0.00021 and 0.00032; TOPMed 0.00021; ESP Exome Variant Server 0.00023; gnomAD exomes 0.00055; ExAC 0.00063; 1000 Genomes Project 30x 0.00078; 1000 Genomes Project 0.00100.

Submissions (3):

Labcorp Genetics (formerly Invitae), Labcorp
Classification: Likely benign. Last evaluated: 2025-11-28. Review status: criteria provided, single submitter. Criteria: Invitae Variant Classification Sherloc (09022015). Collection method: clinical testing. Allele origin: germline.

Fulgent Genetics
Classification: Likely benign for Pendred syndrome; Autosomal recessive nonsyndromic hearing loss 4. Last evaluated: 2021-07-23. Review status: criteria provided, single submitter. Criteria: ACMG Guidelines, 2015. Collection method: clinical testing. Allele origin: unknown.

PreventionGenetics, part of Exact Sciences
Classification: Likely benign for FOXI1-related condition. Last evaluated: 2023-09-13. Review status: no assertion criteria provided. Collection method: clinical testing. Allele origin: germline. Not counted in ClinVar's aggregate classification.
Comment: This variant is classified as likely benign based on ACMG/AMP sequence variant interpretation guidelines (Richards et al. 2015 PMID: 25741868, with internal and published modifications).

NM_012188.5(FOXI1):c.823G>A (p.Ala275Thr)

Gene: FOXI1 (forkhead box I1; plus strand). Cytogenetic location: 5q35.1.
Variant type: single nucleotide variant.
Coding change: c.823G>A on transcript NM_012188.5 (MANE Select); coding-DNA position 823, G replaced by A.
Protein change: p.Ala275Thr; replaces alanine 275 with threonine.
Molecular consequence: missense variant. On other transcripts: intron variant (1).
Genome position (GRCh38, 1-based): chr5:170,108,297, G>A. VCF-style: chr5-170108297-G-A. GRCh37 (hg19) VCF-style: chr5-169535301-G-A.
Other names: c.823G>A (NM_012188.4); c.575-37G>A (NM_144769.4); short protein forms A275T.
Identifiers: ClinVar variation 1559287 (VCV001559287.11), dbSNP rs145129881, ClinGen allele CA3555110.